The following is an entry in ClinVar:

ClinVar aggregate classification (germline): Likely benign (1 of 4 stars; one submission).

Submission:

CeGaT Center for Human Genetics Tuebingen
Classification: Likely benign. Last evaluated: 2026-01-01. Review status: criteria provided, single submitter. Criteria: CeGaT Center For Human Genetics Tuebingen Variant Classification Criteria Version 2. Collection method: clinical testing. Allele origin: germline. Affected: yes. Observed: 1 variant allele.
Comment: ZFHX3: BS2

NM_006885.4(ZFHX3):c.2330_2344del (p.Val777_Ala781del)

Gene: ZFHX3 (zinc finger homeobox 3; minus strand). Cytogenetic location: 16q22.3.
Variant type: Deletion.
Coding change: c.2330_2344del on transcript NM_006885.4 (MANE Select); coding-DNA positions 2330 to 2344, 15 bases deleted (TGGCTGCGGCGGCGG).
Protein change: p.Val777_Ala781del.
Molecular consequence: inframe deletion. On other transcripts: intron variant (1).
Genome position (GRCh38, 1-based): chr16:72,957,802-72,957,816, CCGCCGCCGCAGCCA deleted on the plus strand (TGGCTGCGGCGGCGG on the coding strand, the reverse complement: ZFHX3 is on the minus strand); deleting any 15 consecutive bases within chr16:72,957,802-72,957,826 gives the same sequence; the c. name uses the placement nearest the transcript's 3' end. VCF-style (leftmost placement, unchanged base first): chr16-72957801-GCCGCCGCCGCAGCCA-G. GRCh37 (hg19) VCF-style: chr16-72991700-GCCGCCGCCGCAGCCA-G.
Other names: c.2330_2344del, p.Val777_Ala781del (NM_001386735.1); c.-23-6851_-23-6837del (NM_001164766.2).
Identifiers: ClinVar variation 4821159 (VCV004821159.4).